The following is an entry in ClinVar:

NM_001035.3(RYR2):c.14090+14C>T

Gene: RYR2 (ryanodine receptor 2; plus strand). Cytogenetic location: 1q43.
Variant type: single nucleotide variant.
Coding change: c.14090+14C>T on transcript NM_001035.3 (MANE Select); 14 bases into the intron after coding-DNA position 14090, C replaced by T.
Molecular consequence: intron variant.
Genome position (GRCh38, 1-based): chr1:237,798,184, C>T. VCF-style: chr1-237798184-C-T. GRCh37 (hg19) VCF-style: chr1-237961484-C-T.
Identifiers: ClinVar variation 43735 (VCV000043735.18), dbSNP rs374425124, ClinGen allele CA008129.
Genomic context (GRCh38, chr1:237,798,184, plus strand): 5'-GCCAGAGAAAAGAAGAAGCCAAAGAAAGACAGCTCCTTATCAGCTGTGTAAGTGTTACTT[C>T]GGCTCTATCCTACAGACTTAGATTGAAAGGGGAAAACATTAATACATTTTTAAACTTGTG-3'

ClinVar aggregate classification (germline): Benign. Review status: criteria provided, multiple submitters, no conflicts (2 of 4 stars). 5 submissions from 5 submitters: Benign (5). Last evaluated 2026-02-03.

Conditions:
Catecholaminergic polymorphic ventricular tachycardia 1. Also called: VENTRICULAR TACHYCARDIA, STRESS-INDUCED POLYMORPHIC 1; VENTRICULAR TACHYCARDIA, CATECHOLAMINERGIC POLYMORPHIC, 1, WITH OR WITHOUT ATRIAL DYSFUNCTION AND/OR DILATED CARDIOMYOPATHY; RYR2-Related Catecholaminergic Polymorphic Ventricular Tachycardia. Identifiers: Orphanet 3286, MedGen C1631597, MONDO:0011484, OMIM 604772.

Allele frequency attached by ClinVar (database versions not stated): gnomAD exomes 0.00008 and 0.00022; ExAC 0.00034; gnomAD 0.00066; TOPMed 0.00080; ESP Exome Variant Server 0.00117; 1000 Genomes Project 0.00140; 1000 Genomes Project 30x 0.00141.
gnomAD v4.1: 217 of 1,608,000 alleles (0.013%); highest among the groups gnomAD compares: African/African-American, 0.21%; no homozygotes.

Submissions (5):

Labcorp Genetics (formerly Invitae), Labcorp
Classification: Benign for Catecholaminergic polymorphic ventricular tachycardia 1. Last evaluated: 2026-02-03. Review status: criteria provided, single submitter. Criteria: Invitae Variant Classification Sherloc (09022015). Collection method: clinical testing. Allele origin: germline.

Women's Health and Genetics/Laboratory Corporation of America, LabCorp
Classification: Benign. Last evaluated: 2025-11-01. Review status: criteria provided, single submitter. Criteria: LabCorp Variant Classification Summary - May 2015. Collection method: clinical testing. Allele origin: germline.

ARUP Laboratories, Molecular Genetics and Genomics, ARUP Laboratories
Classification: Benign. Last evaluated: 2025-05-15. Review status: criteria provided, single submitter. Criteria: ARUP Molecular Germline Variant Investigation Process 2024. Collection method: clinical testing. Allele origin: germline.

GeneDx
Classification: Benign. Last evaluated: 2015-03-03. Review status: criteria provided, single submitter. Criteria: GeneDx Variant Classification Process June 2021. Collection method: clinical testing. Allele origin: germline. Affected: yes.

Laboratory for Molecular Medicine, Mass General Brigham Personalized Medicine
Classification: Benign. Last evaluated: 2012-03-19. Review status: criteria provided, single submitter. Criteria: LMM Criteria. Collection method: clinical testing. Allele origin: germline. Observed: 2 variant alleles.
Comment: c.14090+14C>T in Intron 97 of RYR2: This variant is not expected to have clinica l significance because it is not located within the splice consensus sequence an d has been identified in 0.4% (11/3056) of African American chromosomes from a b road population by the NHLBI Exome Sequencing Project (. edu/EVS;).